The following is an entry in ClinVar:

NM_006206.6(PDGFRA):c.1274A>G (p.His425Arg)

Gene: PDGFRA (platelet derived growth factor receptor alpha; plus strand). Cytogenetic location: 4q12.
Variant type: single nucleotide variant.
Coding change: c.1274A>G on transcript NM_006206.6 (MANE Select); coding-DNA position 1274, A replaced by G.
Protein change: p.His425Arg; replaces histidine 425 with arginine.
Molecular consequence: missense variant.
Genome position (GRCh38, 1-based): chr4:54,272,430, A>G. VCF-style: chr4-54272430-A-G. GRCh37 (hg19) VCF-style: chr4-55138597-A-G.
Other names: c.1274A>G (NM_006206.5); c.1274A>G, p.His425Arg (NM_001347827.2, NM_001347829.2); c.1349A>G, p.His450Arg (NM_001347828.2); c.1313A>G, p.His438Arg (NM_001347830.2); short protein forms H425R, H450R, H438R.
Identifiers: ClinVar variation 407410 (VCV000407410.25), dbSNP rs769631321, ClinGen allele CA2922510.
Genomic context (GRCh38, chr4:54,272,430, plus strand): 5'-CTGACTTCTTTCTGCCTCTTGCAGTTCCTTCATCCATTCTGGACTTGGTCGATGATCACC[A>G]TGGCTCAACTGGGGGACAGACGGTGAGGTGCACAGCTGAAGGCACGCCGCTTCCTGATAT-3'
Protein context (NP_006197.1, residues 415-435): SSILDLVDDH[His425Arg]GSTGGQTVRC

ClinVar aggregate classification (germline): Conflicting classifications of pathogenicity. Review status: criteria provided, conflicting classifications (1 of 4 stars). 7 submissions from 7 submitters: Uncertain significance (4); Likely benign (2). 1 of the submissions does not count toward it. Last evaluated 2026-06-12.

Conditions:
PDGFRA-related disorder. Also called: PDGFRA-related condition.
Polyps, multiple and recurrent inflammatory fibroid, gastrointestinal. Identifiers: MedGen C5193005, MONDO:0008285, OMIM 175510.
Hereditary cancer-predisposing syndrome. Also called: Neoplastic Syndromes, Hereditary; Hereditary Cancer Syndrome; Hereditary neoplastic syndrome; Tumor predisposition. Identifiers: Orphanet 140162, MedGen C0027672, MeSH D009386, MONDO:0015356.
Gastrointestinal stromal tumor. Also called: Gastrointestinal stromal tumor, somatic; Gastrointestinal stroma tumor. Identifiers: Orphanet 44890, MedGen C0238198, MeSH D046152, MONDO:0011719, OMIM 606764, HP:0100723.
Idiopathic hypereosinophilic syndrome (HES). Identifiers: Orphanet 3260, MedGen C0206141, MONDO:0011895, OMIM 607685. Disease mechanism: gain of function.

Allele frequency attached by ClinVar (database versions not stated): ExAC 0.00002; TOPMed 0.00002; gnomAD 0.00003 and 0.00004.
gnomAD v4.1: 27 of 1,613,874 alleles (0.0017%); highest among the groups gnomAD compares: Admixed American, 0.005%; no homozygotes.

Submissions (7):

Myriad Genetics, Inc.
Classification: Likely benign for Polyps, multiple and recurrent inflammatory fibroid, gastrointestinal. Last evaluated: 2026-06-12. Review status: criteria provided, single submitter. Criteria: Myriad Autosomal Dominant, Autosomal Recessive and X-Linked Classification Criteria (2023). Collection method: clinical testing. Allele origin: unknown.
Comment: This variant is considered likely benign. This variant has been observed at a population frequency that is significantly greater than expected given the associated disease prevalence and penetrance.

Labcorp Genetics (formerly Invitae), Labcorp
Classification: Uncertain significance for Gastrointestinal stromal tumor. Last evaluated: 2026-01-06. Review status: criteria provided, single submitter. Criteria: Invitae Variant Classification Sherloc (09022015). Collection method: clinical testing. Allele origin: germline.
Comment: This sequence change replaces histidine, which is basic and polar, with arginine, which is basic and polar, at codon 425 of the PDGFRA protein (p.His425Arg). This variant is present in population databases (rs769631321, gnomAD 0.01%). This variant has not been reported in the literature in individuals affected with PDGFRA-related conditions. ClinVar contains an entry for this variant (Variation ID: 407410). Invitae Evidence Modeling of protein sequence and biophysical properties (such as structural, functional, and spatial information, amino acid conservation, physicochemical variation, residue mobility, and thermodynamic stability) indicates that this missense variant is not expected to disrupt PDGFRA protein function with a negative predictive value of 80%. In summary, the available evidence is currently insufficient to determine the role of this variant in disease. Therefore, it has been classified as a Variant of Uncertain Significance.

Ambry Genetics
Classification: Likely benign for Hereditary cancer-predisposing syndrome. Last evaluated: 2024-08-20. Review status: criteria provided, single submitter. Criteria: Ambry Variant Classification Scheme 2023. Collection method: clinical testing. Allele origin: germline.

Baylor Genetics
Classification: Uncertain significance for Polyps, multiple and recurrent inflammatory fibroid, gastrointestinal. Last evaluated: 2024-02-06. Review status: criteria provided, single submitter. Criteria: ACMG Guidelines, 2015. Collection method: clinical testing. Allele origin: unknown.

GeneDx
Classification: Uncertain significance. Last evaluated: 2023-03-20. Review status: criteria provided, single submitter. Criteria: GeneDx Variant Classification Process June 2021. Collection method: clinical testing. Allele origin: germline. Affected: yes.
Comment: In silico analysis supports that this missense variant does not alter protein structure/function; Has not been previously published as pathogenic or benign to our knowledge

Fulgent Genetics
Classification: Uncertain significance for Gastrointestinal stromal tumor; Idiopathic hypereosinophilic syndrome. Last evaluated: 2018-10-31. Review status: criteria provided, single submitter. Criteria: ACMG Guidelines, 2015. Collection method: clinical testing. Allele origin: unknown.

PreventionGenetics, part of Exact Sciences
Classification: Uncertain significance for PDGFRA-related condition. Last evaluated: 2024-02-19. Review status: no assertion criteria provided. Collection method: clinical testing. Allele origin: germline. Not counted in ClinVar's aggregate classification.
Comment: The PDGFRA c.1274A>G variant is predicted to result in the amino acid substitution p.His425Arg. The p.His425Arg variant was reported in a blood sample of an individual with mixed neuroendocrine non-neuroendocrine neoplasms of the gastrointestinal tract (case 3, Guerrera et al. 2022. PubMed ID: 35455885). This variant is reported in 0.010% of alleles in individuals of East Asian descent in gnomAD and is interpreted as uncertain significance in ClinVar. At this time, the clinical significance of this variant is uncertain due to the absence of conclusive functional and genetic evidence.